The following is an entry in ClinVar:

NM_000218.3(KCNQ1):c.1686G>C (p.Arg562Ser)

Gene: KCNQ1 (potassium voltage-gated channel subfamily Q member 1; plus strand). Cytogenetic location: 11p15.5.
Variant type: single nucleotide variant.
Coding change: c.1686G>C on transcript NM_000218.3 (MANE Select); coding-DNA position 1686, G replaced by C.
Protein change: p.Arg562Ser; replaces arginine 562 with serine.
Molecular consequence: missense variant.
Genome position (GRCh38, 1-based): chr11:2,776,986, G>C. VCF-style: chr11-2776986-G-C. GRCh37 (hg19) VCF-style: chr11-2798216-G-C.
Other names: c.1590G>C, p.Arg530Ser (NM_001406836.1); c.1416G>C, p.Arg472Ser (NM_001406837.1); c.1146G>C, p.Arg382Ser (NM_001406838.1); c.1305G>C, p.Arg435Ser (NM_181798.2); short protein forms R562S, R382S, R435S, R472S, R530S.
Identifiers: ClinVar variation 1778018 (VCV001778018.5), dbSNP rs794728535, ClinGen allele CA379139263.
Genomic context (GRCh38, chr11:2,776,986, plus strand): 5'-CAGTGCATCTGCGCAGTGCCAGGGCCAGGTGTGAACTGGTGTCTGTGTCCTTCTCTCCAG[G>C]CTGGACCAGTCCATTGGGAAGCCCTCACTGTTCATCTCCGTCTCAGGTGGGTTTCTGTGT-3'
Protein context (NP_000209.2, residues 552-572): LMVRIKELQR[Arg562Ser]LDQSIGKPSL

ClinVar aggregate classification (germline): Pathogenic/Likely pathogenic. Review status: criteria provided, multiple submitters, no conflicts (2 of 4 stars). 3 submissions from 3 submitters: Pathogenic (2); Likely pathogenic (1). Last evaluated 2025-02-16.

Conditions:
Cardiovascular phenotype. Identifiers: MedGen CN230736.
Long QT syndrome (LQTS). Identifiers: MedGen C0023976, MeSH D008133, MONDO:0002442. Disease mechanism: loss of function. Inheritance: Various modes of inheritance.
Atrial fibrillation, familial, 3 (ATFB3). Identifiers: MedGen C1837014, MONDO:0011857, OMIM 607554.

Submissions (3):

Palindrome, Gene Kavoshgaran Aria
Classification: Pathogenic for Atrial fibrillation, familial, 3. Last evaluated: 2025-02-16. Review status: criteria provided, single submitter. Criteria: ACMG Guidelines, 2015. Collection method: clinical testing. Allele origin: germline. Inheritance: Autosomal dominant inheritance. Affected: yes. Observed: 1 heterozygote.

Labcorp Genetics (formerly Invitae), Labcorp
Classification: Pathogenic for Long QT syndrome. Last evaluated: 2024-11-16. Review status: criteria provided, single submitter. Criteria: Invitae Variant Classification Sherloc (09022015). Collection method: clinical testing. Allele origin: germline.
Comment: This sequence change replaces arginine, which is basic and polar, with serine, which is neutral and polar, at codon 562 of the KCNQ1 protein (p.Arg562Ser). This variant is not present in population databases (gnomAD no frequency). This missense change has been observed in individuals with long QT syndrome and/or prolonged QT interval (PMID: 22727609, 30170673; internal data). It has also been observed to segregate with disease in related individuals. ClinVar contains an entry for this variant (Variation ID: 1778018). Invitae Evidence Modeling of protein sequence and biophysical properties (such as structural, functional, and spatial information, amino acid conservation, physicochemical variation, residue mobility, and thermodynamic stability) has been performed for this missense variant. However, the output from this modeling did not meet the statistical confidence thresholds required to predict the impact of this variant on KCNQ1 protein function. Experimental studies have shown that this missense change affects KCNQ1 function (PMID: 30170673). Algorithms developed to predict the effect of sequence changes on RNA splicing suggest that this variant may disrupt the consensus splice site. For these reasons, this variant has been classified as Pathogenic.

Ambry Genetics
Classification: Likely pathogenic for Cardiovascular phenotype. Last evaluated: 2016-12-04. Review status: criteria provided, single submitter. Criteria: Ambry Variant Classification Scheme 2023. Collection method: clinical testing. Allele origin: germline.
Comment: The p.R562S variant (also known as c.1686G>C) is located in coding exon 14 of the KCNQ1 gene. This variant results from a G to C substitution at nucleotide position 1686. This change occurs in the first base pair of coding exon 14. The arginine at codon 562 is replaced by serine, an amino acid with dissimilar properties. This variant has been reported in a long QT syndrome (LQTS) cohort (Andrsova I et al. J Electrocardiol, 2012;45:746-51). The same amino acid substitution, resulting from a different nucleotide change, was described in individuals with prolonged QT intervals not due to a known secondary cause (Barsheshet A et al. Circulation. 2012;125:1988-96) and in a study of LQTS clinical genetic testing (Lieve KV et al. Genet Test Mol Biomarkers. 2013;17:553-61). Another alteration involving the same amino acid position, p.R562M (c.1685G>T), has been detected in LQTS cohorts (Van Langen IM et al. J Med Genet. 2003;40:141-5). This amino acid position is highly conserved in available vertebrate species. In addition, this p.R562S alteration is predicted to be probably damaging and deleterious by PolyPhen and SIFT in silico analyses, respectively. Based on the majority of available evidence to date, this variant is likely to be pathogenic.

Literature cited by the submitters: PubMed 22727609 (cited by Labcorp Genetics (formerly Invitae), Labcorp and Ambry Genetics); PubMed 30170673 (cited by Labcorp Genetics (formerly Invitae), Labcorp); PubMed 12566525 (cited by Ambry Genetics); PubMed 22456477 (cited by Ambry Genetics); PubMed 23631430 (cited by Ambry Genetics).